The following is an entry in ClinVar:

NM_013975.4(LIG3):c.743G>A (p.Ser248Asn)

Gene: LIG3 (DNA ligase 3; plus strand). Cytogenetic location: 17q12.
Variant type: single nucleotide variant.
Coding change: c.743G>A on transcript NM_013975.4 (MANE Select); coding-DNA position 743, G replaced by A.
Protein change: p.Ser248Asn; replaces serine 248 with asparagine.
Molecular consequence: missense variant.
Genome position (GRCh38, 1-based): chr17:34,989,517, G>A. VCF-style: chr17-34989517-G-A. GRCh37 (hg19) VCF-style: chr17-33316536-G-A.
Other names: c.743G>A, p.Ser248Asn (NM_002311.5); short protein forms S248N.
Identifiers: ClinVar variation 3538161 (VCV003538161.2).

ClinVar aggregate classification (germline): Uncertain significance. Review status: criteria provided, multiple submitters, no conflicts (2 of 4 stars). 2 submissions from 2 submitters: Uncertain significance (2). Last evaluated 2025-02-18.

Conditions:
Inborn genetic diseases. Identifiers: MedGen C0950123, MeSH D030342.

gnomAD v4.1: 2 of 1,614,080 alleles (0.00012%); highest among the groups gnomAD compares: Non-Finnish European, 0.00017%; no homozygotes.

Submissions (2):

Women's Health and Genetics/Laboratory Corporation of America, LabCorp
Classification: Uncertain significance. Last evaluated: 2025-02-18. Review status: criteria provided, single submitter. Criteria: LabCorp Variant Classification Summary - May 2015. Collection method: clinical testing. Allele origin: germline.
Comment: Variant summary: LIG3 c.743G>A (p.Ser248Asn) results in a conservative amino acid change in the encoded protein sequence. Five of five in-silico tools predict a benign effect of the variant on protein function. The variant was absent in 251452 control chromosomes. The available data on variant occurrences in the general population are insufficient to allow any conclusion about variant significance. To our knowledge, no occurrence of c.743G>A in individuals affected with Long QT Syndrome and no experimental evidence demonstrating its impact on protein function have been reported. No submitters have cited clinical-significance assessments for this variant to ClinVar. Based on the evidence outlined above, the variant was classified as uncertain significance.

Ambry Genetics
Classification: Uncertain significance for Inborn genetic diseases. Last evaluated: 2024-09-27. Review status: criteria provided, single submitter. Criteria: Ambry Variant Classification Scheme 2023. Collection method: clinical testing. Allele origin: germline.